The following is an entry in ClinVar:

ClinVar aggregate classification (germline): Uncertain significance. Review status: criteria provided, multiple submitters, no conflicts (2 of 4 stars). 2 submissions from 2 submitters: Uncertain significance (2). Last evaluated 2024-05-22.

Allele frequency attached by ClinVar (database versions not stated): ExAC 0.00001; gnomAD 0.00001; TOPMed 0.00001.
gnomAD v4.1: 24 of 1,613,752 alleles (0.0015%); highest among the groups gnomAD compares: Middle Eastern, 0.033%; no homozygotes.

Submissions (2):

Blueprint Genetics
Classification: Uncertain significance. Last evaluated: 2024-05-22. Review status: criteria provided, single submitter. Criteria: ACMG Guidelines, 2015. Collection method: clinical testing. Allele origin: germline.

Labcorp Genetics (formerly Invitae), Labcorp
Classification: Uncertain significance. Last evaluated: 2021-08-27. Review status: criteria provided, single submitter. Criteria: Invitae Variant Classification Sherloc (09022015). Collection method: clinical testing. Allele origin: germline.
Comment: This sequence change replaces arginine with glutamine at codon 811 of the MYO5B protein (p.Arg811Gln). The arginine residue is moderately conserved and there is a small physicochemical difference between arginine and glutamine. The frequency data for this variant in the population databases is considered unreliable, as metrics indicate poor data quality at this position in the ExAC database. This variant has not been reported in the literature in individuals affected with MYO5B-related conditions. Algorithms developed to predict the effect of missense changes on protein structure and function are either unavailable or do not agree on the potential impact of this missense change (SIFT: "Deleterious"; PolyPhen-2: "Probably Damaging"; Align-GVGD: "Class C0"). In summary, the available evidence is currently insufficient to determine the role of this variant in disease. Therefore, it has been classified as a Variant of Uncertain Significance.

NM_001080467.3(MYO5B):c.2432G>A (p.Arg811Gln)

Gene: MYO5B (myosin VB; minus strand). Cytogenetic location: 18q21.1.
Variant type: single nucleotide variant.
Coding change: c.2432G>A on transcript NM_001080467.3 (MANE Select); coding-DNA position 2432, G replaced by A.
Protein change: p.Arg811Gln; replaces arginine 811 with glutamine.
Molecular consequence: missense variant.
Genome position (GRCh38, 1-based): chr18:49,904,811, C>T on the plus strand (G>A on the coding strand, the complement: MYO5B is on the minus strand). VCF-style: chr18-49904811-C-T. GRCh37 (hg19) VCF-style: chr18-47431181-C-T.
Other names: short protein forms R811Q.
Identifiers: ClinVar variation 1406702 (VCV001406702.6), dbSNP rs772254605, ClinGen allele CA8961078.